The following is an entry in ClinVar:

NM_002354.3(EPCAM):c.343A>G (p.Met115Val)

Gene: EPCAM (epithelial cell adhesion molecule; plus strand). Cytogenetic location: 2p21.
Variant type: single nucleotide variant.
Coding change: c.343A>G on transcript NM_002354.3 (MANE Select); coding-DNA position 343, A replaced by G.
Protein change: p.Met115Val; replaces methionine 115 with valine.
Molecular consequence: missense variant.
Genome position (GRCh38, 1-based): chr2:47,373,966, A>G. VCF-style: chr2-47373966-A-G. GRCh37 (hg19) VCF-style: chr2-47601105-A-G.
Other names: short protein forms M115V.
Identifiers: ClinVar variation 1731443 (VCV001731443.2), dbSNP rs1443259557, ClinGen allele CA346723278.

ClinVar aggregate classification (germline): Uncertain significance (1 of 4 stars; one submission).

Conditions:
Hereditary cancer-predisposing syndrome. Also called: Neoplastic Syndromes, Hereditary; Tumor predisposition; Hereditary Cancer Syndrome; Hereditary neoplastic syndrome. Identifiers: Orphanet 140162, MedGen C0027672, MeSH D009386, MONDO:0015356.

Allele frequency attached by ClinVar (database versions not stated): TOPMed below 0.00001.

Submission:

Ambry Genetics
Classification: Uncertain significance for Hereditary cancer-predisposing syndrome. Last evaluated: 2022-04-11. Review status: criteria provided, single submitter. Criteria: Ambry Variant Classification Scheme 2023. Collection method: clinical testing. Allele origin: germline.
Comment: The p.M115V variant (also known as c.343A>G), located in coding exon 3 of the EPCAM gene, results from an A to G substitution at nucleotide position 343. The methionine at codon 115 is replaced by valine, an amino acid with highly similar properties. This amino acid position is conserved. In addition, this alteration is predicted to be tolerated by in silico analysis. Since supporting evidence is limited at this time, the clinical significance of this alteration remains unclear.